The following is an entry in ClinVar:

ClinVar aggregate classification (germline): Uncertain significance (1 of 4 stars; one submission).

Allele frequency attached by ClinVar (database versions not stated): TOPMed 0.00002; gnomAD 0.00003; gnomAD exomes 0.00003; ExAC 0.00005.
gnomAD v4.1: 48 of 1,613,140 alleles (0.003%); highest among the groups gnomAD compares: Middle Eastern, 0.016%; no homozygotes.

Submission:

Labcorp Genetics (formerly Invitae), Labcorp
Classification: Uncertain significance. Last evaluated: 2025-12-22. Review status: criteria provided, single submitter. Criteria: Invitae Variant Classification Sherloc (09022015). Collection method: clinical testing. Allele origin: germline.
Comment: This sequence change replaces serine, which is neutral and polar, with leucine, which is neutral and non-polar, at codon 631 of the ENPP1 protein (p.Ser631Leu). This variant is present in population databases (rs773654100, gnomAD 0.02%). This variant has not been reported in the literature in individuals affected with ENPP1-related conditions. ClinVar contains an entry for this variant (Variation ID: 2899172). An algorithm developed to predict the effect of missense changes on protein structure and function (PolyPhen-2) suggests that this variant is likely to be tolerated. In summary, the available evidence is currently insufficient to determine the role of this variant in disease. Therefore, it has been classified as a Variant of Uncertain Significance.

NM_006208.3(ENPP1):c.1892C>T (p.Ser631Leu)

Gene: ENPP1 (ectonucleotide pyrophosphatase/phosphodiesterase 1; plus strand). Cytogenetic location: 6q23.2.
Variant type: single nucleotide variant.
Coding change: c.1892C>T on transcript NM_006208.3 (MANE Select); coding-DNA position 1892, C replaced by T.
Protein change: p.Ser631Leu; replaces serine 631 with leucine.
Molecular consequence: missense variant.
Genome position (GRCh38, 1-based): chr6:131,877,160, C>T. VCF-style: chr6-131877160-C-T. GRCh37 (hg19) VCF-style: chr6-132198300-C-T.
Other names: short protein forms S631L.
Identifiers: ClinVar variation 2899172 (VCV002899172.3), dbSNP rs773654100, ClinGen allele CA4002346.